The following is an entry in ClinVar:

ClinVar aggregate classification (germline): Uncertain significance (1 of 4 stars; one submission).

Conditions:
Bethlem myopathy 2 (BTHLM2). Identifiers: Orphanet 536516, Orphanet 610, MedGen C4225313, MONDO:0034022, OMIM 616471.
Ullrich congenital muscular dystrophy 2 (UCMD2). Identifiers: Orphanet 75840, MedGen C4225314, MONDO:0014654, OMIM 616470.

gnomAD v4.1: 1 of 1,613,354 alleles (0.000062%); highest among the groups gnomAD compares: South Asian, 0.0011%; no homozygotes.

Submission:

Labcorp Genetics (formerly Invitae), Labcorp
Classification: Uncertain significance for Bethlem myopathy 2; Ullrich congenital muscular dystrophy 2. Last evaluated: 2023-08-10. Review status: criteria provided, single submitter. Criteria: Invitae Variant Classification Sherloc (09022015). Collection method: clinical testing. Allele origin: germline.
Comment: In summary, the available evidence is currently insufficient to determine the role of this variant in disease. Therefore, it has been classified as a Variant of Uncertain Significance. Advanced modeling of protein sequence and biophysical properties (such as structural, functional, and spatial information, amino acid conservation, physicochemical variation, residue mobility, and thermodynamic stability) performed at Invitae indicates that this missense variant is not expected to disrupt COL12A1 protein function. ClinVar contains an entry for this variant (Variation ID: 1408049). This variant has not been reported in the literature in individuals affected with COL12A1-related conditions. This variant is not present in population databases (gnomAD no frequency). This sequence change replaces isoleucine, which is neutral and non-polar, with valine, which is neutral and non-polar, at codon 1346 of the COL12A1 protein (p.Ile1346Val).

NM_004370.6(COL12A1):c.4036A>G (p.Ile1346Val)

Gene: COL12A1 (collagen type XII alpha 1 chain; minus strand). Cytogenetic location: 6q13.
Variant type: single nucleotide variant.
Coding change: c.4036A>G on transcript NM_004370.6 (MANE Select); coding-DNA position 4036, A replaced by G.
Protein change: p.Ile1346Val; replaces isoleucine 1346 with valine.
Molecular consequence: missense variant.
Genome position (GRCh38, 1-based): chr6:75,151,252, T>C on the plus strand (A>G on the coding strand, the complement: COL12A1 is on the minus strand). VCF-style: chr6-75151252-T-C. GRCh37 (hg19) VCF-style: chr6-75860968-T-C.
Other names: c.544A>G, p.Ile182Val (NM_080645.3); short protein forms I182V, I1346V.
Identifiers: ClinVar variation 1408049 (VCV001408049.6), dbSNP rs2149415452, ClinGen allele CA364747253.
Genomic context (GRCh38, chr6:75,151,252, plus strand): 5'-TGGAGAGTGACTCAAAATCTGCCACATTGTATGCATGGGTATCATCAGGATCAGTTGCAA[T>C]CATCTTTAATTCGACTTCATCAGCATTTTTAATACCTTCAAAAACGGATATATACAAATT-3'
Protein context (NP_004361.3, residues 1336-1356): KNADEVELKM[Ile1346Val]ATDPDDTHAY